The following is an entry in ClinVar:

ClinVar aggregate classification (germline): Uncertain significance (1 of 4 stars; one submission).

Submission:

GeneDx
Classification: Uncertain significance. Last evaluated: 2024-08-15. Review status: criteria provided, single submitter. Criteria: GeneDx Variant Classification Process June 2021. Collection method: clinical testing. Allele origin: germline.
Comment: Not observed at significant frequency in large population cohorts (gnomAD); In silico analysis supports that this missense variant has a deleterious effect on protein structure/function; Has not been previously published as pathogenic or benign to our knowledge; Variants in candidate genes are classified as variants of uncertain significance in accordance with ACMG guidelines (PMID: 25741868)

NM_014709.4(USP34):c.8678C>G (p.Pro2893Arg)

Gene: USP34 (ubiquitin specific peptidase 34; minus strand). Cytogenetic location: 2p15.
Variant type: single nucleotide variant.
Coding change: c.8678C>G on transcript NM_014709.4 (MANE Select); coding-DNA position 8678, C replaced by G.
Protein change: p.Pro2893Arg; replaces proline 2893 with arginine.
Molecular consequence: missense variant.
Genome position (GRCh38, 1-based): chr2:61,214,064, G>C on the plus strand (C>G on the coding strand, the complement: USP34 is on the minus strand). VCF-style: chr2-61214064-G-C. GRCh37 (hg19) VCF-style: chr2-61441199-G-C.
Other names: short protein forms P2893R.
Identifiers: ClinVar variation 4975039 (VCV004975039.1).
Genomic context (GRCh38, chr2:61,214,064, plus strand): 5'-ACAGGTATTTCCAATCTATTTGAGGATACAGATAAAAGAGTATCAATTTTACTCACTCCA[G>C]GGTATTGGCTGGCATGTGGTGTAAGATTCTTAAAGGCCCACTGGATGTTCTGGTGAGAAG-3'
Protein context (NP_055524.3, residues 2883-2903): KNLTPHASQY[Pro2893Arg]GAVEELFNLM